The following is an entry in ClinVar:

ClinVar aggregate classification (germline): Uncertain significance. Review status: criteria provided, multiple submitters, no conflicts (2 of 4 stars). 4 submissions from 4 submitters: Uncertain significance (4). Last evaluated 2026-01-06.

Conditions:
Breast-ovarian cancer, familial, susceptibility to, 1 (BROVCA1). Also called: BRCA1 Hereditary Breast and Ovarian Cancer; OVARIAN CANCER, SUSCEPTIBILITY TO. Identifiers: Orphanet 145, MedGen C2676676, MONDO:0011450, OMIM 604370. Disease mechanism: loss of function.
Hereditary breast ovarian cancer syndrome. Also called: Hereditary breast and ovarian cancer; Hereditary breast and ovarian cancer syndrome; Hereditary breast and ovarian cancer syndrome (HBOC); Breast and ovarian cancer; BRCA1- and BRCA2-Associated Hereditary Breast and Ovarian Cancer; Hereditary breast and/or ovarian cancer syndrome. Identifiers: Orphanet 145, MedGen C0677776, MeSH D061325, MONDO:0003582. Disease mechanism: loss of function.
Hereditary cancer-predisposing syndrome. Also called: Tumor predisposition; Neoplastic Syndromes, Hereditary; Hereditary Cancer Syndrome; Hereditary neoplastic syndrome. Identifiers: Orphanet 140162, MedGen C0027672, MeSH D009386, MONDO:0015356.

Allele frequency attached by ClinVar (database versions not stated): TOPMed below 0.00001; gnomAD 0.00001.
gnomAD v4.1: 3 of 1,612,748 alleles (0.00019%); highest among the groups gnomAD compares: Non-Finnish European, 0.00025%; no homozygotes.

Submissions (4):

Ambry Genetics
Classification: Uncertain significance for Hereditary cancer-predisposing syndrome. Last evaluated: 2026-01-06. Review status: criteria provided, single submitter. Criteria: Ambry Variant Classification Scheme 2023. Collection method: clinical testing. Allele origin: germline.
Comment: The p.S1374N variant (also known as c.4121G>A), located in coding exon 10 of the BRCA1 gene, results from a G to A substitution at nucleotide position 4121. The serine at codon 1374 is replaced by asparagine, an amino acid with highly similar properties. This amino acid position is well conserved in available vertebrate species. In addition, the in silico prediction for this alteration is inconclusive. Based on the available evidence, the clinical significance of this variant remains unclear.

Labcorp Genetics (formerly Invitae), Labcorp
Classification: Uncertain significance for Hereditary breast ovarian cancer syndrome. Last evaluated: 2024-10-20. Review status: criteria provided, single submitter. Criteria: Invitae Variant Classification Sherloc (09022015). Collection method: clinical testing. Allele origin: germline.
Comment: This sequence change replaces serine, which is neutral and polar, with asparagine, which is neutral and polar, at codon 1374 of the BRCA1 protein (p.Ser1374Asn). This variant is not present in population databases (gnomAD no frequency). This variant has not been reported in the literature in individuals affected with BRCA1-related conditions. ClinVar contains an entry for this variant (Variation ID: 583140). Invitae Evidence Modeling of protein sequence and biophysical properties (such as structural, functional, and spatial information, amino acid conservation, physicochemical variation, residue mobility, and thermodynamic stability) indicates that this missense variant is not expected to disrupt BRCA1 protein function with a negative predictive value of 80%. In summary, the available evidence is currently insufficient to determine the role of this variant in disease. Therefore, it has been classified as a Variant of Uncertain Significance.

All of Us Research Program, National Institutes of Health
Classification: Uncertain significance for Breast-ovarian cancer, familial, susceptibility to, 1. Last evaluated: 2023-03-28. Review status: criteria provided, single submitter. Criteria: ACMG Guidelines, 2015. Collection method: clinical testing. Allele origin: germline. Inheritance: Autosomal dominant inheritance. Observed: 1 variant allele, 1 heterozygote.
Comment: This missense variant replaces serine with asparagine at codon 1374 of the BRCA1 protein. Computational prediction is inconclusive regarding the impact of this variant on protein structure and function (internally defined REVEL score threshold 0.5 < inconclusive < 0.7, PMID: 27666373). To our knowledge, functional studies have not been reported for this variant. This variant not been reported in a breast cancer case-control meta-analysis in 0/60466 cases and 1/53460 unaffected individuals (PMID: 33471991; Leiden Open Variation Database DB-ID BRCA1_006278). This variant has not been identified in the general population by the Genome Aggregation Database (gnomAD). The available evidence is insufficient to determine the role of this variant in disease conclusively. Therefore, this variant is classified as a Variant of Uncertain Significance.

This study involves interpretation of variants in research participants for the purpose of population health screening. Participant phenotype was not available at the time of variant classification. Additional details can be found in publication PMID: 35346344, PMCID: PMC8962531

Quest Diagnostics Nichols Institute San Juan Capistrano
Classification: Uncertain significance. Last evaluated: 2023-01-30. Review status: criteria provided, single submitter. Criteria: Quest Diagnostics criteria. Collection method: clinical testing. Allele origin: unknown.
Comment: The variant has not been reported in the published literature. The frequency of this variant in the general population, 0.0000087 (1/114600 chromosomes), is uninformative in assessment of its pathogenicity. Analysis of this variant using bioinformatics tools for the prediction of the effect of amino acid changes on protein structure and function yielded predictions that this variant is benign. Based on the available information, we are unable to determine the clinical significance of this variant.

Literature cited by the submitters: PubMed 33471991 (cited by All of Us Research Program, National Institutes of Health).

NM_007294.4(BRCA1):c.4121G>A (p.Ser1374Asn)

Gene: BRCA1 (BRCA1 DNA repair associated; minus strand). Cytogenetic location: 17q21.31.
Variant type: single nucleotide variant.
Coding change: c.4121G>A on transcript NM_007294.4 (MANE Select); coding-DNA position 4121, G replaced by A.
Protein change: p.Ser1374Asn; replaces serine 1374 with asparagine.
Molecular consequence: missense variant. On other transcripts: non-coding transcript variant (1).
Genome position (GRCh38, 1-based): chr17:43,091,008, C>T on the plus strand (G>A on the coding strand, the complement: BRCA1 is on the minus strand). VCF-style: chr17-43091008-C-T. GRCh37 (hg19) VCF-style: chr17-41243025-C-T.
Other names: c.3908G>A, p.Ser1303Asn (NM_001407571.1, NM_001407853.1, NM_001407894.1 and 9 more transcripts); c.4121G>A, p.Ser1374Asn (NM_001407581.1, NM_001407582.1, NM_001407583.1 and 30 more transcripts); c.4118G>A, p.Ser1373Asn (NM_001407587.1, NM_001407590.1, NM_001407591.1 and 22 more transcripts); c.4043G>A, p.Ser1348Asn (NM_001407658.1, NM_001407663.1, NM_001407653.1 and 4 more transcripts); c.4040G>A, p.Ser1347Asn (NM_001407659.1, NM_001407660.1, NM_001407661.1 and 1 more transcripts); c.3998G>A, p.Ser1333Asn (NM_001407664.1, NM_001407665.1, NM_001407666.1 and 19 more transcripts); c.3995G>A, p.Ser1332Asn (NM_001407685.1, NM_001407940.1, NM_001407941.1 and 11 more transcripts); c.3980G>A, p.Ser1327Asn (NM_001407697.1, NM_001407698.1, NM_001407724.1 and 29 more transcripts); and 41 more; short protein forms S1374N, S1327N, S271N, S1206N, S1285N, S1286N, S1304N, S1307N.
Identifiers: ClinVar variation 583140 (VCV000583140.13), dbSNP rs1382449149, ClinGen allele CA10593484.
Genomic context (GRCh38, chr17:43,091,008, plus strand): 5'-GTGGTTAAAATGTCACTCTGAGAGGATAGCCCTGAGCAGTCTTCAGAGACGCTTGTTTCA[C>T]TCTCACACCCAGATGCTGCTTCACCTTAAATAACAAAAACAGAGGTTCAGATGTAAAAGC-3'
Protein context (NP_009225.1, residues 1364-1384): NLGEAASGCE[Ser1374Asn]ETSVSEDCSG